The following is an entry in ClinVar:

ClinVar aggregate classification (germline): Uncertain significance (1 of 4 stars; one submission).

Conditions:
Hypertrophic cardiomyopathy. Also called: HYPERTROPHIC MYOCARDIOPATHY. Identifiers: Orphanet 217569, MedGen C0007194, MeSH D002312, MONDO:0005045, HP:0001639.

Submission:

Labcorp Genetics (formerly Invitae), Labcorp
Classification: Uncertain significance for Hypertrophic cardiomyopathy. Last evaluated: 2024-11-18. Review status: criteria provided, single submitter. Criteria: Invitae Variant Classification Sherloc (09022015). Collection method: clinical testing. Allele origin: germline.
Comment: This sequence change replaces alanine, which is neutral and non-polar, with proline, which is neutral and non-polar, at codon 2 of the TNNI3 protein (p.Ala2Pro). This variant is not present in population databases (gnomAD no frequency). This variant has not been reported in the literature in individuals affected with TNNI3-related conditions. An algorithm developed to predict the effect of missense changes on protein structure and function (PolyPhen-2) suggests that this variant is likely to be disruptive. This variant disrupts the p.Ala2 amino acid residue in TNNI3. Other variant(s) that disrupt this residue have been determined to be pathogenic (PMID: 15070570, 22940544, 32870709; internal data). This suggests that this residue is clinically significant, and that variants that disrupt this residue are likely to be disease-causing. In summary, the available evidence is currently insufficient to determine the role of this variant in disease. Therefore, it has been classified as a Variant of Uncertain Significance.

Literature cited by the submitters: PubMed 15070570; PubMed 22940544; PubMed 32870709.

NM_000363.5(TNNI3):c.4G>C (p.Ala2Pro)

Gene: TNNI3 (troponin I3, cardiac type; minus strand). Cytogenetic location: 19q13.42.
Variant type: single nucleotide variant.
Coding change: c.4G>C on transcript NM_000363.5 (MANE Select); coding-DNA position 4, G replaced by C.
Protein change: p.Ala2Pro; replaces alanine 2 with proline.
Molecular consequence: missense variant.
Genome position (GRCh38, 1-based): chr19:55,157,586, C>G on the plus strand (G>C on the coding strand, the complement: TNNI3 is on the minus strand). VCF-style: chr19-55157586-C-G. GRCh37 (hg19) VCF-style: chr19-55668954-C-G.
Other names: short protein forms A2P.
Identifiers: ClinVar variation 3725307 (VCV003725307.2).